The following is an entry in ClinVar:

NM_001277115.2(DNAH11):c.7508_7509insTTG (p.Gly2503_Lys2504insTer)

Gene: DNAH11 (dynein axonemal heavy chain 11; plus strand). Cytogenetic location: 7p15.3.
Variant type: Insertion.
Coding change: c.7508_7509insTTG on transcript NM_001277115.2 (MANE Select); coding-DNA positions 7508 to 7509, TTG inserted.
Protein change: p.Gly2503_Lys2504insTer.
Molecular consequence: nonsense, inframe insertion.
Genome position: GRCh38 VCF-style: chr7-21735706-G-GGTT. GRCh37 (hg19) VCF-style: chr7-21775324-G-GGTT.
Other names: NM_001277115.2(DNAH11):c.7508_7509insTTG; p.Gly2503_Lys2504insTer.
Identifiers: ClinVar variation 208573 (VCV000208573.5), dbSNP rs797045086, ClinGen allele CA275992.

ClinVar aggregate classification (germline): Pathogenic/Likely pathogenic. Review status: criteria provided, multiple submitters, no conflicts (2 of 4 stars). 2 submissions from 2 submitters: Pathogenic (1); Likely pathogenic (1). Last evaluated 2025-02-14.

Conditions:
Primary ciliary dyskinesia 7. Also called: CILIARY DYSKINESIA, PRIMARY, 7, WITH OR WITHOUT SITUS INVERSUS. Identifiers: Orphanet 244, MedGen C2678473, MONDO:0012748, OMIM 611884.

Submissions (2):

Broad Center for Mendelian Genomics, Broad Institute of MIT and Harvard
Classification: Likely pathogenic for Primary ciliary dyskinesia 7. Last evaluated: 2025-02-14. Review status: criteria provided, single submitter. Criteria: ACMG Guidelines, 2015. Collection method: curation. Allele origin: germline. Inheritance: Autosomal recessive inheritance.
Comment: The p.Gly2504Ter variant in DNAH11 has not been previously reported in the literature in individuals with primary ciliary dyskinesia, but has been identified iin 0.002% (1/62478) of remaining chromosomes by the Genome Aggregation Database (gnomAD; dbSNP rs797045086). Although this variant has been seen in the general population in a heterozygous state, its frequency is low enough to be consistent with a recessive carrier frequency. This variant has also been reported in ClinVar (Variation ID: 208573) and has been interpreted as pathogenic by Laboratory for Molecular Medicine (Mass General Brigham Personalized Medicine). This nonsense variant leads to a premature termination codon at position 2504, which is predicted to lead to a truncated or absent protein. Loss of function of the DNAH11 gene is an established disease mechanism in autosomal recessive primary ciliary dyskinesia. In summary, although additional studies are required to fully establish its clinical significance, this variant is likely pathogenic for autosomal recessive primary ciliary dyskinesia. ACMG/AMP Criteria applied: PVS1, PM2_supporting (Richards 2015).

Laboratory for Molecular Medicine, Mass General Brigham Personalized Medicine
Classification: Pathogenic for Ciliary dyskinesia, primary, 7. Last evaluated: 2015-01-21. Review status: criteria provided, single submitter. Criteria: LMM Criteria. Collection method: clinical testing. Allele origin: germline. Inheritance: Autosomal recessive inheritance. Observed: 1 variant allele. Study: CSER-MedSeq.
Comment: The p.Lys2504X variant in DNAH11 has not been previously reported in individuals with primary ciliary dyskinesia (PCD) and was absent from large population studies. This variant is an insertion of 3 bases and introduces a nonsense variant which leads to a premature termination codon at position 2504. This variant is predicted to lead to a truncated or absent protein. Complete loss of DNAH11 function is an established disease mechanism in PCD. In summary, this variant meets our criteria to be classified as pathogenic for PCD in an autosomal recessive manner based on the predicted impact of the variant.